The following is an entry in ClinVar:

ClinVar aggregate classification (germline): Uncertain significance (1 of 4 stars; one submission).

Conditions:
Inborn genetic diseases. Identifiers: MedGen C0950123, MeSH D030342.

gnomAD v4.1: 4 of 1,599,324 alleles (0.00025%); highest among the groups gnomAD compares: South Asian, 0.0045%; no homozygotes.

Submission:

Ambry Genetics
Classification: Uncertain significance for Inborn genetic diseases. Last evaluated: 2026-07-23. Review status: criteria provided, single submitter. Criteria: Ambry Variant Classification Scheme 2023. Collection method: clinical testing. Allele origin: germline.
Comment: The c.1004C>T (p.A335V) alteration is located in exon 2 (coding exon 2) of the NKX2-1 gene. This alteration results from a C to T substitution at nucleotide position 1004, causing the alanine (A) at amino acid position 335 to be replaced by a valine (V). Based on data from gnomAD, the T allele has an overall frequency of <0.001% (0/214274) total alleles studied. The highest observed frequency was <0.001% (/) of alleles. Based on insufficient or conflicting evidence, the clinical significance of this alteration remains unclear.

NM_001079668.3(NKX2-1):c.1094C>T (p.Ala365Val)

Genes: NKX2-1 (NK2 homeobox 1; minus strand), SFTA3 (surfactant associated 3; minus strand). Cytogenetic location: 14q13.3.
Variant type: single nucleotide variant.
Coding change: c.1094C>T on transcript NM_001079668.3 (MANE Select); coding-DNA position 1094, C replaced by T.
Protein change: p.Ala365Val; replaces alanine 365 with valine.
Molecular consequence: missense variant.
Genome position (GRCh38, 1-based): chr14:36,517,390, G>A on the plus strand (C>T on the coding strand, the complement: NKX2-1 is on the minus strand). VCF-style: chr14-36517390-G-A. GRCh37 (hg19) VCF-style: chr14-36986595-G-A.
Other names: c.1004C>T, p.Ala335Val (NM_003317.4); short protein forms A335V, A365V.
Identifiers: ClinVar variation 5025756 (VCV005025756.1).